The following is an entry in ClinVar:

ClinVar aggregate classification (germline): Uncertain significance (1 of 4 stars; one submission).

gnomAD v4.1: 32 of 1,550,606 alleles (0.0021%); highest among the groups gnomAD compares: Non-Finnish European, 0.0026%; no homozygotes.

Submission:

GeneDx
Classification: Uncertain significance. Last evaluated: 2024-04-24. Review status: criteria provided, single submitter. Criteria: GeneDx Variant Classification Process June 2021. Collection method: clinical testing. Allele origin: germline. Affected: yes.
Comment: Not observed at significant frequency in large population cohorts (gnomAD); In silico analysis supports that this missense variant has a deleterious effect on protein structure/function; Has not been previously published as pathogenic or benign to our knowledge

NM_003560.4(PLA2G6):c.2207C>T (p.Thr736Met)

Gene: PLA2G6 (phospholipase A2 group VI; minus strand). Cytogenetic location: 22q13.1.
Variant type: single nucleotide variant.
Coding change: c.2207C>T on transcript NM_003560.4 (MANE Select); coding-DNA position 2207, C replaced by T.
Protein change: p.Thr736Met; replaces threonine 736 with methionine.
Molecular consequence: missense variant.
Genome position (GRCh38, 1-based): chr22:38,112,573, G>A on the plus strand (C>T on the coding strand, the complement: PLA2G6 is on the minus strand). VCF-style: chr22-38112573-G-A. GRCh37 (hg19) VCF-style: chr22-38508580-G-A.
Other names: c.2045C>T, p.Thr682Met (NM_001004426.3, NM_001199562.3, NM_001349865.2 and 1 more transcripts); c.2207C>T, p.Thr736Met (NM_001349864.2); c.1673C>T, p.Thr558Met (NM_001349867.2); c.1529C>T, p.Thr510Met (NM_001349868.2); c.1511C>T, p.Thr504Met (NM_001349869.2); short protein forms T504M, T510M, T558M, T682M, T736M.
Identifiers: ClinVar variation 3373060 (VCV003373060.1).
Genomic context (GRCh38, chr22:38,112,573, plus strand): 5'-TGGATGCCGACCATCTCGCACCAGGCCCGTGCCCGGTCCACAGCCCGCCCGTCTGGATCC[G>A]TGCACTGGTGAGAAGCAGCCTTGGTGAGTGCCGGGCCCACACCCCGCCCGGCCCGCACCC-3'
Protein context (NP_003551.2, residues 726-746): ELGKMVVDCC[Thr736Met]DPDGRAVDRA